The following is an entry in ClinVar:

NM_024596.5(MCPH1):c.23-15A>G

Gene: MCPH1 (microcephalin 1; plus strand). Cytogenetic location: 8p23.1.
Variant type: single nucleotide variant.
Coding change: c.23-15A>G on transcript NM_024596.5 (MANE Select); 15 bases into the intron before coding-DNA position 23, A replaced by G.
Molecular consequence: intron variant.
Genome position (GRCh38, 1-based): chr8:6,409,264, A>G. VCF-style: chr8-6409264-A-G. GRCh37 (hg19) VCF-style: chr8-6266785-A-G.
Other names: c.23-15A>G (NM_001322042.2, NM_001363980.2, NM_001363979.1 and 2 more transcripts); c.23-21A>G (NM_001322043.2); c.-80-15A>G (NM_001322045.2).
Identifiers: ClinVar variation 158853 (VCV000158853.18), dbSNP rs146351889, ClinGen allele CA172527.

ClinVar aggregate classification (germline): Benign/Likely benign. Review status: criteria provided, multiple submitters, no conflicts (2 of 4 stars). 6 submissions from 6 submitters: Benign (3); Likely benign (3). Last evaluated 2026-02-04.

Conditions:
Microcephaly 1, primary, autosomal recessive (MCPH1). Also called: PREMATURE CHROMOSOME CONDENSATION SYNDROME; PCC SYNDROME; PREMATURE CHROMOSOME CONDENSATION WITH MICROCEPHALY AND MENTAL RETARDATION. Identifiers: Orphanet 2512, MedGen C1855081, MONDO:0009617, OMIM 251200.

Allele frequency attached by ClinVar (database versions not stated): ExAC 0.00972; 1000 Genomes Project 0.01018; 1000 Genomes Project 30x 0.01156; gnomAD 0.01394 and 0.01440; TOPMed 0.01428; ESP Exome Variant Server 0.01764.
gnomAD v4.1: 20,254 of 1,594,366 alleles (1.3%); highest among the groups gnomAD compares: African/African-American, 2.1%; 186 homozygotes.

Submissions (6):

Labcorp Genetics (formerly Invitae), Labcorp
Classification: Benign. Last evaluated: 2026-02-04. Review status: criteria provided, single submitter. Criteria: Invitae Variant Classification Sherloc (09022015). Collection method: clinical testing. Allele origin: germline.

Illumina Laboratory Services, Illumina
Classification: Likely benign for Microcephaly 1, primary, autosomal recessive. Last evaluated: 2018-01-12. Review status: criteria provided, single submitter. Criteria: ICSL Variant Classification Criteria 13 December 2019. Collection method: clinical testing. Allele origin: germline.
Comment: This variant was observed in the ICSL laboratory as part of a predisposition screen in an ostensibly healthy population. It had not been previously curated by ICSL or reported in the Human Gene Mutation Database (HGMD: prior to June 1st, 2018), and was therefore a candidate for classification through an automated scoring system. Utilizing variant allele frequency, disease prevalence and penetrance estimates, and inheritance mode, an automated score was calculated to assess if this variant is too frequent to cause the disease. Based on the score and internal cut-off values, a variant classified as likely benign is not then subjected to further curation. The score for this variant resulted in a classification of likely benign for this disease.

GeneDx
Classification: Benign. Last evaluated: 2017-06-28. Review status: criteria provided, single submitter. Criteria: GeneDx Variant Classification (06012015). Collection method: clinical testing. Allele origin: germline. Affected: yes.
Comment: This variant is considered likely benign or benign based on one or more of the following criteria: it is a conservative change, it occurs at a poorly conserved position in the protein, it is predicted to be benign by multiple in silico algorithms, and/or has population frequency not consistent with disease.

PreventionGenetics, part of Exact Sciences
Classification: Benign. Last evaluated: 2013-10-21. Review status: criteria provided, single submitter. Criteria: ACMG Guidelines, 2015. Collection method: clinical testing. Allele origin: germline.

Genetic Services Laboratory, University of Chicago
Classification: Likely benign. Last evaluated: 2012-10-03. Review status: criteria provided, single submitter. Criteria: ACMG Guidelines, 2007. Collection method: clinical testing. Allele origin: germline. Inheritance: Autosomal recessive inheritance.

Breakthrough Genomics
Classification: Likely benign. Review status: criteria provided, single submitter. Criteria: ACMG Guidelines, 2015. Collection method: not provided. Allele origin: germline. Inheritance: Autosomal recessive inheritance. Affected: yes.